The following is an entry in ClinVar:

NM_001849.4(COL6A2):c.2785G>A (p.Val929Met)

Gene: COL6A2 (collagen type VI alpha 2 chain; plus strand). Cytogenetic location: 21q22.3.
Variant type: single nucleotide variant.
Coding change: c.2785G>A on transcript NM_001849.4 (MANE Select); coding-DNA position 2785, G replaced by A.
Protein change: p.Val929Met; replaces valine 929 with methionine.
Molecular consequence: missense variant.
Genome position (GRCh38, 1-based): chr21:46,132,277, G>A. VCF-style: chr21-46132277-G-A. GRCh37 (hg19) VCF-style: chr21-47552191-G-A.
Other names: p.Val929Met; short protein forms V929M.
Identifiers: ClinVar variation 285718 (VCV000285718.64), dbSNP rs145527336, ClinGen allele CA10073022.

ClinVar aggregate classification (germline): Conflicting classifications of pathogenicity. Review status: criteria provided, conflicting classifications (1 of 4 stars). 9 submissions from 9 submitters: Uncertain significance (7); Likely benign (2). Last evaluated 2026-01-20.

Conditions:
Collagen 6-related myopathy. Identifiers: MedGen CN117976, MONDO:0100225.
Ullrich congenital muscular dystrophy 1A. Also called: Ullrich congenital muscular dystrophy 1; Intermediate COL6-RD. Identifiers: Orphanet 75840, MedGen C0410179, MONDO:0009681, OMIM 254090.
Bethlem myopathy 1A. Also called: Bethlem myopathy 1; Bethlem Muscular Dystrophy; MYOPATHY, BENIGN CONGENITAL, WITH CONTRACTURES. Identifiers: Orphanet 610, MedGen CN029274, MONDO:0024530, OMIM 158810.

Allele frequency attached by ClinVar (database versions not stated): TOPMed 0.00015; gnomAD 0.00016 and 0.00017; 1000 Genomes Project 0.00020; ExAC 0.00020; ESP Exome Variant Server 0.00023; 1000 Genomes Project 30x 0.00031.
gnomAD v4.1: 262 of 1,606,742 alleles (0.016%); highest among the groups gnomAD compares: Middle Eastern, 0.35%; no homozygotes.

Submissions (9):

Labcorp Genetics (formerly Invitae), Labcorp
Classification: Likely benign for Bethlem myopathy 1A. Last evaluated: 2026-01-20. Review status: criteria provided, single submitter. Criteria: Invitae Variant Classification Sherloc (09022015). Collection method: clinical testing. Allele origin: germline.

Women's Health and Genetics/Laboratory Corporation of America, LabCorp
Classification: Uncertain significance. Last evaluated: 2025-12-02. Review status: criteria provided, single submitter. Criteria: LabCorp Variant Classification Summary - May 2015. Collection method: clinical testing. Allele origin: germline.
Comment: Variant summary: COL6A2 c.2785G>A (p.Val929Met) results in a conservative amino acid change located in the third von Willebrand factor type A domain (IPR002035) of the encoded protein sequence. Algorithms developed to predict the effect of missense changes on protein structure and function are either unavailable or do not agree on the potential impact of this missense change. The variant allele was found at a frequency of 0.00018 in 238130 control chromosomes (gnomAD). This frequency is not significantly higher than estimated for disease-causing variants in COL6A2, allowing no conclusion about variant significance. To our knowledge, no occurrence of c.2785G>A in individuals affected with COL6A2-related conditions and no experimental evidence demonstrating its impact on protein function have been reported. The following publication has been ascertained in the context of this evaluation (PMID: 30564623). ClinVar contains an entry for this variant (Variation ID: 285718). Based on the evidence outlined above, the variant was classified as uncertain significance.

CeGaT Center for Human Genetics Tuebingen
Classification: Uncertain significance. Last evaluated: 2025-10-01. Review status: criteria provided, single submitter. Criteria: CeGaT Center For Human Genetics Tuebingen Variant Classification Criteria Version 2. Collection method: clinical testing. Allele origin: germline. Affected: yes. Observed: 3 variant alleles.

Revvity Omics, Revvity
Classification: Uncertain significance. Last evaluated: 2025-01-16. Review status: criteria provided, single submitter. Criteria: ACMG Guidelines, 2015. Collection method: clinical testing. Allele origin: germline.

Blueprint Genetics
Classification: Uncertain significance. Last evaluated: 2024-10-04. Review status: criteria provided, single submitter. Criteria: ACMG Guidelines, 2015. Collection method: clinical testing. Allele origin: germline.

Mayo Clinic Laboratories, Mayo Clinic
Classification: Uncertain significance. Last evaluated: 2023-11-29. Review status: criteria provided, single submitter. Criteria: ACMG Guidelines, 2015. Collection method: clinical testing. Allele origin: germline. Observed: 1 variant allele.
Comment: BS1

Baylor Genetics
Classification: Uncertain significance for Ullrich congenital muscular dystrophy 1A. Last evaluated: 2019-12-06. Review status: criteria provided, single submitter. Criteria: ACMG Guidelines, 2015. Collection method: clinical testing. Allele origin: unknown. Affected: yes.
Comment: This variant was determined to be of uncertain significance according to ACMG Guidelines, 2015 [PMID:25741868].

Illumina Laboratory Services, Illumina
Classification: Likely benign for Collagen VI-related myopathy. Last evaluated: 2018-03-06. Review status: criteria provided, single submitter. Criteria: ICSL Variant Classification Criteria 13 December 2019. Collection method: clinical testing. Allele origin: germline.
Comment: This variant was observed in the ICSL laboratory as part of a predisposition screen in an ostensibly healthy population. It had not been previously curated by ICSL or reported in the Human Gene Mutation Database (HGMD: prior to June 1st, 2018), and was therefore a candidate for classification through an automated scoring system. Utilizing variant allele frequency, disease prevalence and penetrance estimates, and inheritance mode, an automated score was calculated to assess if this variant is too frequent to cause the disease. Based on the score and internal cut-off values, a variant classified as likely benign is not then subjected to further curation. The score for this variant resulted in a classification of likely benign for this disease.

Eurofins Ntd Llc (ga)
Classification: Uncertain significance. Last evaluated: 2016-01-06. Review status: criteria provided, single submitter. Criteria: EGL Classification Definitions 2015. Collection method: clinical testing. Allele origin: germline. Observed: 5 variant alleles, 5 heterozygotes.

Literature cited by the submitters: PubMed 30564623 (cited by Women's Health and Genetics/Laboratory Corporation of America, LabCorp and Mayo Clinic Laboratories, Mayo Clinic).